The following is an entry in ClinVar:

ClinVar aggregate classification (germline): Uncertain significance. Review status: criteria provided, multiple submitters, no conflicts (2 of 4 stars). 2 submissions from 2 submitters: Uncertain significance (2). Last evaluated 2025-05-05.

gnomAD v4.1: 2 of 1,613,942 alleles (0.00012%); highest among the groups gnomAD compares: Non-Finnish European, 0.000085%; no homozygotes.

Submissions (2):

Women's Health and Genetics/Laboratory Corporation of America, LabCorp
Classification: Uncertain significance. Last evaluated: 2025-05-05. Review status: criteria provided, single submitter. Criteria: LabCorp Variant Classification Summary - May 2015. Collection method: clinical testing. Allele origin: germline.
Comment: Variant summary: FH c.521C>T (p.Pro174Leu) results in a non-conservative amino acid change in the encoded protein sequence. Algorithms developed to predict the effect of missense changes on protein structure and function all suggest that this variant is likely to be disruptive. The variant was absent in 251304 control chromosomes. The available data on variant occurrences in the general population are insufficient to allow any conclusion about variant significance. To our knowledge, no occurrence of c.521C>T in individuals affected with Fumarate Hydratase Deficiency and no experimental evidence demonstrating its impact on protein function have been reported. A different variant affecting the same codon has been classified as likely pathogenic/pathogenic by our lab (c.521C>G, p.Pro174Arg), supporting the critical relevance of codon 174 to FH protein function. Additionally, c.521C>A (p.Pro174His) has been evaluated Likely Pathogenic at ClinVar. ClinVar contains an entry for this variant (Variation ID: 3690088). Based on the evidence outlined above, the variant was classified as uncertain significance.

Labcorp Genetics (formerly Invitae), Labcorp
Classification: Uncertain significance. Last evaluated: 2024-08-15. Review status: criteria provided, single submitter. Criteria: Invitae Variant Classification Sherloc (09022015). Collection method: clinical testing. Allele origin: germline.
Comment: This sequence change replaces proline, which is neutral and non-polar, with leucine, which is neutral and non-polar, at codon 174 of the FH protein (p.Pro174Leu). This variant is not present in population databases (gnomAD no frequency). This variant has not been reported in the literature in individuals affected with FH-related conditions. Invitae Evidence Modeling of protein sequence and biophysical properties (such as structural, functional, and spatial information, amino acid conservation, physicochemical variation, residue mobility, and thermodynamic stability) has been performed for this missense variant. However, the output from this modeling did not meet the statistical confidence thresholds required to predict the impact of this variant on FH protein function. This variant disrupts the p.Pro174 amino acid residue in FH. Other variant(s) that disrupt this residue have been determined to be pathogenic (PMID: 12761039, 16575891, 22069215). This suggests that this residue is clinically significant, and that variants that disrupt this residue are likely to be disease-causing. In summary, the available evidence is currently insufficient to determine the role of this variant in disease. Therefore, it has been classified as a Variant of Uncertain Significance.

Literature cited by the submitters: PubMed 12761039 (cited by Labcorp Genetics (formerly Invitae), Labcorp); PubMed 16575891 (cited by Labcorp Genetics (formerly Invitae), Labcorp); PubMed 22069215 (cited by Labcorp Genetics (formerly Invitae), Labcorp).

NM_000143.4(FH):c.521C>T (p.Pro174Leu)

Gene: FH (fumarate hydratase; minus strand). Cytogenetic location: 1q43.
Variant type: single nucleotide variant.
Coding change: c.521C>T on transcript NM_000143.4 (MANE Select); coding-DNA position 521, C replaced by T.
Protein change: p.Pro174Leu; replaces proline 174 with leucine.
Molecular consequence: missense variant.
Genome position (GRCh38, 1-based): chr1:241,512,001, G>A on the plus strand (C>T on the coding strand, the complement: FH is on the minus strand). VCF-style: chr1-241512001-G-A. GRCh37 (hg19) VCF-style: chr1-241675301-G-A.
Other names: short protein forms P174L.
Identifiers: ClinVar variation 3690088 (VCV003690088.3).
Genomic context (GRCh38, chr1:241,512,001, plus strand): 5'-AAAAACAGCAAAGCTCACATACTGACCTGGCTTTTATTAACATGATCGTTGGGATGCACA[G>A]GTATCTTGCTGCCAAGTTCACCTCCTAACATTTCAATTGCTCTATTGCTAATGACTTCAT-3'
Protein context (NP_000134.2, residues 164-184): MLGGELGSKI[Pro174Leu]VHPNDHVNKS